The following is an entry in ClinVar:

ClinVar aggregate classification (germline): Uncertain significance (1 of 4 stars; one submission).

gnomAD v4.1: 1 of 1,540,944 alleles (0.000065%); highest among the groups gnomAD compares: Non-Finnish European, 0.000088%; no homozygotes.

Submission:

GeneDx
Classification: Uncertain significance. Last evaluated: 2026-02-09. Review status: criteria provided, single submitter. Criteria: GeneDx Variant Classification Process June 2021. Collection method: clinical testing. Allele origin: germline.
Comment: Not observed at significant frequency in large population cohorts (gnomAD); In silico analysis does not support a benign or deleterious effect of this variant on protein structure/function; Has not been previously published as pathogenic or benign to our knowledge

NM_013291.3(CPSF1):c.2285C>T (p.Ala762Val)

Gene: CPSF1 (cleavage and polyadenylation specific factor 1; minus strand). Cytogenetic location: 8q24.3.
Variant type: single nucleotide variant.
Coding change: c.2285C>T on transcript NM_013291.3 (MANE Select); coding-DNA position 2285, C replaced by T.
Protein change: p.Ala762Val; replaces alanine 762 with valine.
Molecular consequence: missense variant.
Genome position (GRCh38, 1-based): chr8:144,397,587, G>A on the plus strand (C>T on the coding strand, the complement: CPSF1 is on the minus strand). VCF-style: chr8-144397587-G-A. GRCh37 (hg19) VCF-style: chr8-145622802-G-A.
Other names: short protein forms A762V.
Identifiers: ClinVar variation 4976459 (VCV004976459.1).
Genomic context (GRCh38, chr8:144,397,587, plus strand): 5'-GTAGGCTCTGCCCGGAAGGGTGCAGGGTCCCGGTCAGCAGGGGGCTGGCTGCTTCTTCGG[G>A]CCTCCTCCTTGCTGGGGCTGAAGAGGGAGCCCGAATCCCCATACAGCATCTCCTCCTCGT-3'
Protein context (NP_037423.2, residues 752-772): GSLFSPSKEE[Ala762Val]RRSSQPPADR